The following is an entry in ClinVar:

NM_152753.4(SCUBE3):c.1694-35T>C

Gene: SCUBE3 (signal peptide, CUB domain and EGF like domain containing 3; plus strand). Cytogenetic location: 6p21.31.
Variant type: single nucleotide variant.
Coding change: c.1694-35T>C on transcript NM_152753.4 (MANE Select); 35 bases into the intron before coding-DNA position 1694, T replaced by C.
Molecular consequence: intron variant.
Genome position (GRCh38, 1-based): chr6:35,242,986, T>C. VCF-style: chr6-35242986-T-C. GRCh37 (hg19) VCF-style: chr6-35210763-T-C.
Other names: c.1691-35T>C (NM_001303136.2).
Identifiers: ClinVar variation 5018697 (VCV005018697.2).

ClinVar aggregate classification (germline): Uncertain significance (1 of 4 stars; one submission).

Conditions:
Short stature, facial dysmorphism, and skeletal anomalies with or without cardiac anomalies 2. Identifiers: MedGen C5543057, MONDO:0030953, OMIM 619184.

gnomAD v4.1: 70 of 1,603,470 alleles (0.0044%); highest among the groups gnomAD compares: East Asian, 0.14%; no homozygotes.

Submission:

Juno Genomics, Hangzhou Juno Genomics, Inc
Classification: Uncertain significance for Short stature, facial dysmorphism, and skeletal anomalies with or without cardiac anomalies 2. Review status: criteria provided, single submitter. Criteria: ACMG Guidelines, 2015. Collection method: clinical testing. Allele origin: germline.
Comment: Absent from controls (or at extremely low frequency if recessive) in Genome Aggregation Database.;Multiple lines of computational evidence support a deleterious effect on the gene or gene product.